The following is an entry in ClinVar:

NM_001267550.2(TTN):c.12887C>T (p.Ser4296Leu)

Gene: TTN (titin; minus strand). Cytogenetic location: 2q31.2.
Variant type: single nucleotide variant.
Coding change: c.12887C>T on transcript NM_001267550.2 (MANE Select); coding-DNA position 12887, C replaced by T.
Protein change: p.Ser4296Leu; replaces serine 4296 with leucine.
Molecular consequence: missense variant. On other transcripts: intron variant (1).
Genome position (GRCh38, 1-based): chr2:178,740,346, G>A on the plus strand (C>T on the coding strand, the complement: TTN is on the minus strand). VCF-style: chr2-178740346-G-A. GRCh37 (hg19) VCF-style: chr2-179605073-G-A.
Other names: c.12173C>T, p.Ser4058Leu (NM_133432.3); c.11936C>T, p.Ser3979Leu (NM_001256850.1); c.11798C>T, p.Ser3933Leu (NM_003319.4); c.12374C>T, p.Ser4125Leu (NM_133437.4); c.10361-1986C>T (NM_133378.4); short protein forms S4058L, S4296L, S3933L, S4125L, S3979L.
Identifiers: ClinVar variation 166236 (VCV000166236.6), dbSNP rs727503657, ClinGen allele CA179029.
Genomic context (GRCh38, chr2:178,740,346, plus strand): 5'-TGCCCTGCATTTTCCAGTGGATTTGCACTTTCTATCAAAATTTTACCTCCTTCTGTGCAT[G>A]AGTGTTCTGAAGGGACTAGGGGCTCATAGTTTACCTGAGAGATCATGACATCAGGACTCT-3'
Protein context (NP_001254479.2, residues 4286-4306): NYEPLVPSEH[Ser4296Leu]CTEGGKILIE

ClinVar aggregate classification (germline): Conflicting classifications of pathogenicity. Review status: criteria provided, conflicting classifications (1 of 4 stars). 2 submissions from 2 submitters: Uncertain significance (1); Likely benign (1). Last evaluated 2025-07-24.

Allele frequency attached by ClinVar (database versions not stated): gnomAD exomes below 0.00001; TOPMed below 0.00001.
gnomAD v4.1: 5 of 1,613,732 alleles (0.00031%); highest among the groups gnomAD compares: African/African-American, 0.004%; no homozygotes.

Submissions (2):

Molecular Diagnostic Laboratory for Inherited Cardiovascular Disease, Montreal Heart Institute
Classification: Likely benign. Last evaluated: 2025-07-24. Review status: criteria provided, single submitter. Criteria: ACMG Guidelines, 2015. Collection method: clinical testing. Allele origin: germline. Affected: no.
Comment: BP1

Laboratory for Molecular Medicine, Mass General Brigham Personalized Medicine
Classification: Uncertain significance. Last evaluated: 2013-10-21. Review status: criteria provided, single submitter. Criteria: LMM Criteria. Collection method: clinical testing. Allele origin: germline. Observed: 1 variant allele.
Comment: The Ser4058Leu variant in TTN has not been previously reported in individuals wi th cardiomyopathy or in large population studies. Computational analyses are lim ited or unavailable for this variant. Additional information is needed to fully assess the clinical significance of this variant.